The following is an entry in ClinVar:

NM_182493.3(MYLK3):c.2354A>C (p.Lys785Thr)

Gene: MYLK3 (myosin light chain kinase 3; minus strand). Cytogenetic location: 16q11.2.
Variant type: single nucleotide variant.
Coding change: c.2354A>C on transcript NM_182493.3 (MANE Select); coding-DNA position 2354, A replaced by C.
Protein change: p.Lys785Thr; replaces lysine 785 with threonine.
Molecular consequence: missense variant.
Genome position (GRCh38, 1-based): chr16:46,709,585, T>G on the plus strand (A>C on the coding strand, the complement: MYLK3 is on the minus strand). VCF-style: chr16-46709585-T-G. GRCh37 (hg19) VCF-style: chr16-46743497-T-G.
Other names: c.1331A>C, p.Lys444Thr (NM_001308301.1); short protein forms K444T, K785T.
Identifiers: ClinVar variation 3621884 (VCV003621884.2).

ClinVar aggregate classification (germline): Uncertain significance (1 of 4 stars; one submission).

Submission:

Labcorp Genetics (formerly Invitae), Labcorp
Classification: Uncertain significance. Last evaluated: 2025-01-11. Review status: criteria provided, single submitter. Criteria: Invitae Variant Classification Sherloc (09022015). Collection method: clinical testing. Allele origin: germline.
Comment: This sequence change replaces lysine, which is basic and polar, with threonine, which is neutral and polar, at codon 785 of the MYLK3 protein (p.Lys785Thr). This variant is not present in population databases (gnomAD no frequency). This variant has not been reported in the literature in individuals affected with MYLK3-related conditions. An algorithm developed to predict the effect of missense changes on protein structure and function (PolyPhen-2) suggests that this variant is likely to be disruptive. In summary, the available evidence is currently insufficient to determine the role of this variant in disease. Therefore, it has been classified as a Variant of Uncertain Significance.